The following is an entry in ClinVar:

NM_000057.4(BLM):c.311C>T (p.Ser104Leu)

Gene: BLM (BLM RecQ like helicase; plus strand). Cytogenetic location: 15q26.1.
Variant type: single nucleotide variant.
Coding change: c.311C>T on transcript NM_000057.4 (MANE Select); coding-DNA position 311, C replaced by T.
Protein change: p.Ser104Leu; replaces serine 104 with leucine.
Molecular consequence: missense variant. On other transcripts: 5 prime UTR variant (1).
Genome position (GRCh38, 1-based): chr15:90,749,579, C>T. VCF-style: chr15-90749579-C-T. GRCh37 (hg19) VCF-style: chr15-91292809-C-T.
Other names: c.311C>T, p.Ser104Leu (NM_001287246.2, NM_001287247.2); c.-981C>T (NM_001287248.2); short protein forms S104L.
Identifiers: ClinVar variation 405313 (VCV000405313.17), dbSNP rs367543030, ClinGen allele CA16614769.

ClinVar aggregate classification (germline): Uncertain significance. Review status: criteria provided, multiple submitters, no conflicts (2 of 4 stars). 3 submissions from 3 submitters: Uncertain significance (2). 1 of the submissions does not count toward it. Last evaluated 2025-11-23.

Conditions:
Hereditary cancer-predisposing syndrome. Also called: Hereditary Cancer Syndrome; Hereditary neoplastic syndrome; Neoplastic Syndromes, Hereditary; Tumor predisposition. Identifiers: Orphanet 140162, MedGen C0027672, MeSH D009386, MONDO:0015356.
Bloom syndrome (BLM). Also called: Bloom-Torre-Machacek syndrome. Identifiers: Orphanet 125, MedGen C0005859, MONDO:0008876, OMIM 210900.

Allele frequency attached by ClinVar (database versions not stated): gnomAD exomes below 0.00001; gnomAD 0.00001; TOPMed 0.00001.
gnomAD v4.1: 2 of 1,613,986 alleles (0.00012%); highest among the groups gnomAD compares: African/African-American, 0.0027%; no homozygotes.

Submissions (3):

Labcorp Genetics (formerly Invitae), Labcorp
Classification: Uncertain significance for Bloom syndrome. Last evaluated: 2025-11-23. Review status: criteria provided, single submitter. Criteria: Invitae Variant Classification Sherloc (09022015). Collection method: clinical testing. Allele origin: germline.
Comment: This sequence change replaces serine, which is neutral and polar, with leucine, which is neutral and non-polar, at codon 104 of the BLM protein (p.Ser104Leu). This variant is not present in population databases (gnomAD no frequency). This variant has not been reported in the literature in individuals affected with BLM-related conditions. ClinVar contains an entry for this variant (Variation ID: 405313). An algorithm developed to predict the effect of missense changes on protein structure and function (PolyPhen-2) suggests that this variant is likely to be disruptive. In summary, the available evidence is currently insufficient to determine the role of this variant in disease. Therefore, it has been classified as a Variant of Uncertain Significance.

Ambry Genetics
Classification: Uncertain significance for Hereditary cancer-predisposing syndrome. Last evaluated: 2025-01-27. Review status: criteria provided, single submitter. Criteria: Ambry Variant Classification Scheme 2023. Collection method: clinical testing. Allele origin: germline.

Natera, Inc.
Classification: Uncertain significance for Bloom syndrome. Last evaluated: 2019-05-20. Review status: no assertion criteria provided. Collection method: clinical testing. Allele origin: germline. Not counted in ClinVar's aggregate classification.